The following is an entry in ClinVar:

NM_182493.3(MYLK3):c.1010T>C (p.Ile337Thr)

Gene: MYLK3 (myosin light chain kinase 3; minus strand). Cytogenetic location: 16q11.2.
Variant type: single nucleotide variant.
Coding change: c.1010T>C on transcript NM_182493.3 (MANE Select); coding-DNA position 1010, T replaced by C.
Protein change: p.Ile337Thr; replaces isoleucine 337 with threonine.
Molecular consequence: missense variant. On other transcripts: 5 prime UTR variant (1).
Genome position (GRCh38, 1-based): chr16:46,732,660, A>G on the plus strand (T>C on the coding strand, the complement: MYLK3 is on the minus strand). VCF-style: chr16-46732660-A-G. GRCh37 (hg19) VCF-style: chr16-46766572-A-G.
Other names: c.-14T>C (NM_001308301.1); short protein forms I337T.
Identifiers: ClinVar variation 4733872 (VCV004733872.1).

ClinVar aggregate classification (germline): Uncertain significance (1 of 4 stars; one submission).

Submission:

Labcorp Genetics (formerly Invitae), Labcorp
Classification: Uncertain significance. Last evaluated: 2025-12-29. Review status: criteria provided, single submitter. Criteria: Invitae Variant Classification Sherloc (09022015). Collection method: clinical testing. Allele origin: germline.
Comment: This sequence change replaces isoleucine, which is neutral and non-polar, with threonine, which is neutral and polar, at codon 337 of the MYLK3 protein (p.Ile337Thr). This variant is not present in population databases (gnomAD no frequency). This variant has not been reported in the literature in individuals affected with MYLK3-related conditions. An algorithm developed to predict the effect of missense changes on protein structure and function (PolyPhen-2) suggests that this variant is likely to be tolerated. In summary, the available evidence is currently insufficient to determine the role of this variant in disease. Therefore, it has been classified as a Variant of Uncertain Significance.